The following is an entry in ClinVar:

ClinVar aggregate classification (germline): Likely benign. Review status: criteria provided, multiple submitters, no conflicts (2 of 4 stars). 4 submissions from 4 submitters: Likely benign (4). Last evaluated 2026-08-04.

Conditions:
NPHP4-related disorder. Also called: NPHP4-related condition; NPHP4-related disorders. Identifiers: MedGen CN239384.
Nephronophthisis. Also called: Juvenile Nephronophthisis. Identifiers: Orphanet 655, MedGen C0687120, MONDO:0019005, HP:0000090.
Senior-Loken syndrome 4 (SLSN4). Identifiers: Orphanet 3156, MedGen C1846979, MONDO:0011756, OMIM 606996.
Nephronophthisis 4 (NPHP4). Also called: NEPHRONOPHTHISIS 4, JUVENILE. Identifiers: Orphanet 655, MedGen C1847013, MONDO:0011752, OMIM 606966.

Allele frequency attached by ClinVar (database versions not stated): gnomAD exomes 0.00004; ExAC 0.00006; TOPMed 0.00007.
gnomAD v4.1: 21 of 1,605,960 alleles (0.0013%); highest among the groups gnomAD compares: South Asian, 0.01%; 1 homozygote.

Submissions (4):

PreventionGenetics, part of Exact Sciences
Classification: Likely benign for NPHP4-related condition. Last evaluated: 2026-08-04. Review status: criteria provided, single submitter. Criteria: ACMG Guidelines, 2015. Collection method: clinical testing. Allele origin: germline.
Comment: This variant is classified as likely benign based on ACMG/AMP sequence variant interpretation guidelines (Richards et al. 2015 PMID: 25741868, with internal and published modifications).

Labcorp Genetics (formerly Invitae), Labcorp
Classification: Likely benign for Nephronophthisis. Last evaluated: 2025-11-03. Review status: criteria provided, single submitter. Criteria: Invitae Variant Classification Sherloc (09022015). Collection method: clinical testing. Allele origin: germline.

Blueprint Genetics
Classification: Likely benign. Last evaluated: 2024-10-07. Review status: criteria provided, single submitter. Criteria: ACMG Guidelines, 2015. Collection method: clinical testing. Allele origin: germline.

Fulgent Genetics
Classification: Likely benign for Nephronophthisis 4; Senior-Loken syndrome 4. Last evaluated: 2021-11-03. Review status: criteria provided, single submitter. Criteria: ACMG Guidelines, 2015. Collection method: clinical testing. Allele origin: unknown.

NM_015102.5(NPHP4):c.3984G>A (p.Pro1328=)

Gene: NPHP4 (nephrocystin 4; minus strand). Cytogenetic location: 1p36.31.
Variant type: single nucleotide variant.
Coding change: c.3984G>A on transcript NM_015102.5 (MANE Select); coding-DNA position 3984, G replaced by A.
Protein change: p.Pro1328=; no amino-acid change (proline 1328 retained).
Molecular consequence: synonymous variant. On other transcripts: non-coding transcript variant (1).
Genome position (GRCh38, 1-based): chr1:5,864,350, C>T on the plus strand (G>A on the coding strand, the complement: NPHP4 is on the minus strand). VCF-style: chr1-5864350-C-T. GRCh37 (hg19) VCF-style: chr1-5924410-C-T.
Other names: c.2445G>A, p.Pro815= (NM_001291593.2); c.2448G>A, p.Pro816= (NM_001291594.2).
Identifiers: ClinVar variation 215886 (VCV000215886.14), dbSNP rs763002637, ClinGen allele CA336607.